The following is an entry in ClinVar:

NM_018943.3(TUBA8):c.190C>T (p.Arg64Trp)

Gene: TUBA8 (tubulin alpha 8; plus strand). Cytogenetic location: 22q11.21.
Variant type: single nucleotide variant.
Coding change: c.190C>T on transcript NM_018943.3 (MANE Select); coding-DNA position 190, C replaced by T.
Protein change: p.Arg64Trp; replaces arginine 64 with tryptophan.
Molecular consequence: missense variant. On other transcripts: 5 prime UTR variant (1).
Genome position (GRCh38, 1-based): chr22:18,121,665, C>T. VCF-style: chr22-18121665-C-T. GRCh37 (hg19) VCF-style: chr22-18604432-C-T.
Other names: c.190C>T (NM_018943.2); c.-9C>T (NM_001193414.2); short protein forms R64W.
Identifiers: ClinVar variation 2886587 (VCV002886587.5), dbSNP rs903056481, ClinGen allele CA10093596.
Genomic context (GRCh38, chr22:18,121,665, plus strand): 5'-AACGATGATGACTCCTTCACCACCTTTTTCAGCGAGACTGGCAATGGGAAGCATGTGCCC[C>T]GGGCCGTCATGATAGATCTGGAGCCTACTGTAGTGGGTGAGTGGGGGCGGAGTTCCCCTC-3'
Protein context (NP_061816.1, residues 54-74): SETGNGKHVP[Arg64Trp]AVMIDLEPTV

ClinVar aggregate classification (germline): Uncertain significance. Review status: criteria provided, multiple submitters, no conflicts (2 of 4 stars). 3 submissions from 3 submitters: Uncertain significance (2). 1 of the submissions does not count toward it. Last evaluated 2025-01-16.

Conditions:
TUBA8-related disorder. Also called: TUBA8-related condition.

Allele frequency attached by ClinVar (database versions not stated): ExAC 0.00004; gnomAD exomes 0.00005.
gnomAD v4.1: 82 of 1,614,062 alleles (0.0051%); highest among the groups gnomAD compares: South Asian, 0.0066%; no homozygotes.

Submissions (3):

Ambry Genetics
Classification: Uncertain significance. Last evaluated: 2025-01-16. Review status: criteria provided, single submitter. Criteria: Ambry Variant Classification Scheme 2023. Collection method: clinical testing. Allele origin: germline.

Labcorp Genetics (formerly Invitae), Labcorp
Classification: Uncertain significance. Last evaluated: 2022-11-18. Review status: criteria provided, single submitter. Criteria: Invitae Variant Classification Sherloc (09022015). Collection method: clinical testing. Allele origin: germline.
Comment: In summary, the available evidence is currently insufficient to determine the role of this variant in disease. Therefore, it has been classified as a Variant of Uncertain Significance. Advanced modeling of protein sequence and biophysical properties (such as structural, functional, and spatial information, amino acid conservation, physicochemical variation, residue mobility, and thermodynamic stability) performed at Invitae indicates that this missense variant is expected to disrupt TUBA8 protein function. This variant has not been reported in the literature in individuals affected with TUBA8-related conditions. This variant is present in population databases (no rsID available, gnomAD 0.01%). This sequence change replaces arginine, which is basic and polar, with tryptophan, which is neutral and slightly polar, at codon 64 of the TUBA8 protein (p.Arg64Trp).

PreventionGenetics, part of Exact Sciences
Classification: Uncertain significance for TUBA8-related condition. Last evaluated: 2024-07-04. Review status: no assertion criteria provided. Collection method: clinical testing. Allele origin: germline. Not counted in ClinVar's aggregate classification.
Comment: The TUBA8 c.190C>T variant is predicted to result in the amino acid substitution p.Arg64Trp. To our knowledge, this variant has not been reported in the literature. This variant is reported in 0.010% of alleles in individuals of East Asian descent in gnomAD. Although we suspect that this variant may be benign, at this time, the clinical significance of this variant is uncertain due to the absence of conclusive functional and genetic evidence.